The following is an entry in ClinVar:

ClinVar aggregate classification (germline): Uncertain significance. Review status: criteria provided, multiple submitters, no conflicts (2 of 4 stars). 2 submissions from 2 submitters: Uncertain significance (2). Last evaluated 2025-04-12.

Conditions:
Inborn genetic diseases. Identifiers: MedGen C0950123, MeSH D030342.

gnomAD v4.1: 1 of 1,612,944 alleles (0.000062%); highest among the groups gnomAD compares: South Asian, 0.0011%; no homozygotes.

Submissions (2):

Ambry Genetics
Classification: Uncertain significance for Inborn genetic diseases. Last evaluated: 2025-04-12. Review status: criteria provided, single submitter. Criteria: Ambry Variant Classification Scheme 2023. Collection method: clinical testing. Allele origin: germline.

Labcorp Genetics (formerly Invitae), Labcorp
Classification: Uncertain significance. Last evaluated: 2024-05-17. Review status: criteria provided, single submitter. Criteria: Invitae Variant Classification Sherloc (09022015). Collection method: clinical testing. Allele origin: germline.
Comment: This sequence change replaces lysine, which is basic and polar, with asparagine, which is neutral and polar, at codon 769 of the WFS1 protein (p.Lys769Asn). This variant is not present in population databases (gnomAD no frequency). This variant has not been reported in the literature in individuals affected with WFS1-related conditions. Advanced modeling of protein sequence and biophysical properties (such as structural, functional, and spatial information, amino acid conservation, physicochemical variation, residue mobility, and thermodynamic stability) performed at Invitae indicates that this missense variant is not expected to disrupt WFS1 protein function with a negative predictive value of 95%. In summary, the available evidence is currently insufficient to determine the role of this variant in disease. Therefore, it has been classified as a Variant of Uncertain Significance.

NM_006005.3(WFS1):c.2307G>C (p.Lys769Asn)

Gene: WFS1 (wolframin ER transmembrane glycoprotein; plus strand). Cytogenetic location: 4p16.1.
Variant type: single nucleotide variant.
Coding change: c.2307G>C on transcript NM_006005.3 (MANE Select); coding-DNA position 2307, G replaced by C.
Protein change: p.Lys769Asn; replaces lysine 769 with asparagine.
Molecular consequence: missense variant.
Genome position (GRCh38, 1-based): chr4:6,302,102, G>C. VCF-style: chr4-6302102-G-C. GRCh37 (hg19) VCF-style: chr4-6303829-G-C.
Other names: c.2307G>C, p.Lys769Asn (NM_001145853.1); short protein forms K769N.
Identifiers: ClinVar variation 3620440 (VCV003620440.3).
Genomic context (GRCh38, chr4:6,302,102, plus strand): 5'-GGCCGAGGAGGAGCTCTGTCGCCTTAAGCTGCTGGCCAAGCACCCCTGCCACATCAAGAA[G>C]TTCGACCGCTACAAGTTTGAGATTACCGTGGGCATGCCATTCAGCAGCGGCGCTGACGGC-3'
Protein context (NP_005996.2, residues 759-779): LLAKHPCHIK[Lys769Asn]FDRYKFEITV